The following is an entry in ClinVar:

ClinVar aggregate classification (germline): Uncertain significance. Review status: criteria provided, multiple submitters, no conflicts (2 of 4 stars). 2 submissions from 2 submitters: Uncertain significance (2). Last evaluated 2022-10-05.

Conditions:
GROWTH HORMONE DEFICIENCY WITH PITUITARY ANOMALIES. Identifiers: MedGen C2750027, OMIM 182230.
Septo-optic dysplasia sequence (SOD). Also called: DE MORSIER SYNDROME; Septo-optic dysplasia. Identifiers: Orphanet 3157, MedGen C0338503, MONDO:0008428, OMIM 182230, HP:0100842.

Allele frequency attached by ClinVar (database versions not stated): gnomAD exomes below 0.00001; ExAC 0.00002; gnomAD 0.00002; TOPMed 0.00002.
gnomAD v4.1: 10 of 1,613,902 alleles (0.00062%); highest among the groups gnomAD compares: East Asian, 0.011%; no homozygotes.

Submissions (2):

Labcorp Genetics (formerly Invitae), Labcorp
Classification: Uncertain significance for GROWTH HORMONE DEFICIENCY WITH PITUITARY ANOMALIES; Septo-optic dysplasia sequence. Last evaluated: 2022-10-05. Review status: criteria provided, single submitter. Criteria: Invitae Variant Classification Sherloc (09022015). Collection method: clinical testing. Allele origin: germline.
Comment: In summary, the available evidence is currently insufficient to determine the role of this variant in disease. Therefore, it has been classified as a Variant of Uncertain Significance. This sequence change replaces isoleucine, which is neutral and non-polar, with threonine, which is neutral and polar, at codon 23 of the HESX1 protein (p.Ile23Thr). This variant is present in population databases (rs778100113, gnomAD 0.02%). This variant has not been reported in the literature in individuals affected with HESX1-related conditions. Algorithms developed to predict the effect of missense changes on protein structure and function are either unavailable or do not agree on the potential impact of this missense change (SIFT: "Tolerated"; PolyPhen-2: "Probably Damaging"; Align-GVGD: "Class C0").

Blueprint Genetics
Classification: Uncertain significance. Last evaluated: 2021-09-22. Review status: criteria provided, single submitter. Criteria: ACMG Guidelines, 2015. Collection method: clinical testing. Allele origin: germline.

NM_003865.3(HESX1):c.68T>C (p.Ile23Thr)

Gene: HESX1 (HESX homeobox 1; minus strand). Cytogenetic location: 3p14.3.
Variant type: single nucleotide variant.
Coding change: c.68T>C on transcript NM_003865.3 (MANE Select); coding-DNA position 68, T replaced by C.
Protein change: p.Ile23Thr; replaces isoleucine 23 with threonine.
Molecular consequence: missense variant.
Genome position (GRCh38, 1-based): chr3:57,199,851, A>G on the plus strand (T>C on the coding strand, the complement: HESX1 is on the minus strand). VCF-style: chr3-57199851-A-G. GRCh37 (hg19) VCF-style: chr3-57233879-A-G.
Other names: c.68T>C, p.Ile23Thr (NM_001376059.1, NM_001376060.1, NM_001376061.1 and 1 more transcripts); short protein forms I23T.
Identifiers: ClinVar variation 2144847 (VCV002144847.5), dbSNP rs778100113, ClinGen allele CA2463336.